The following is an entry in ClinVar:

ClinVar aggregate classification (germline): Pathogenic/Likely pathogenic. Review status: criteria provided, multiple submitters, no conflicts (2 of 4 stars). 7 submissions from 7 submitters: Pathogenic (5); Likely pathogenic (2). Last evaluated 2026-03-25.

Conditions:
Neurofibromatosis, type 1 (NF1). Also called: VON RECKLINGHAUSEN DISEASE; NEUROFIBROMATOSIS, TYPE I, SOMATIC; Peripheral type neurofibromatosis; Neurofibromatosis, type I. Identifiers: Orphanet 636, MedGen C0027831, MONDO:0018975, OMIM 162200. Disease mechanism: loss of function.
Cardiovascular phenotype. Identifiers: MedGen CN230736.
Hereditary cancer-predisposing syndrome. Also called: Hereditary Cancer Syndrome; Hereditary neoplastic syndrome; Tumor predisposition; Neoplastic Syndromes, Hereditary. Identifiers: Orphanet 140162, MedGen C0027672, MeSH D009386, MONDO:0015356.

Submissions (7):

GeneDx
Classification: Pathogenic. Last evaluated: 2026-03-25. Review status: criteria provided, single submitter. Criteria: GeneDx Variant Classification Process June 2021. Collection method: clinical testing. Allele origin: germline. Affected: yes.
Comment: Non-canonical splice site variant demonstrated to result in aberrant splicing leading to loss of the adjacent exon (PMID: 11258625, 18546366, 27322474); Deletions involving coding exons of this gene are a known mechanism of disease (HGMD); In silico analysis supports a deleterious effect on splicing; Not observed at significant frequency in large population cohorts (gnomAD); Also known as IVS10b+2delTAAG and IVS10b+4delAGTA; This variant is associated with the following publications: (PMID: 39592598, 40169570, 11258625, 18546366, 27322474, 37529773, 17576681, 9536098, Bakir2023, 12807981, 37088138)

Labcorp Genetics (formerly Invitae), Labcorp
Classification: Pathogenic for Neurofibromatosis, type 1. Last evaluated: 2025-11-02. Review status: criteria provided, single submitter. Criteria: Invitae Variant Classification Sherloc (09022015). Collection method: clinical testing. Allele origin: germline.
Comment: This sequence change falls in intron 13 of the NF1 gene. It does not directly change the encoded amino acid sequence of the NF1 protein. RNA analysis indicates that this variant induces altered splicing and likely results in a shortened protein product. This variant is not present in population databases (gnomAD no frequency). This variant has been observed in individual(s) with neurofibromatosis type 1 (PMID: 11258625, 12807981; internal data). Invitae Evidence Modeling of clinical and family history, age, sex, and reported ancestry of multiple individuals with this NF1 variant has been performed. This variant is expected to be pathogenic with a positive predictive value of at least 99%. This is a validated machine learning model that incorporates the clinical features of 1,785,918 individuals referred to our laboratory for NF1 testing. This variant is also known as IVS10b+4delAGTA or IVS10b+2delTAAG. ClinVar contains an entry for this variant (Variation ID: 457536). Variants that disrupt the consensus splice site are a relatively common cause of aberrant splicing (PMID: 17576681, 9536098). Studies have shown that this variant results in skipping of exon 13, but is expected to preserve the integrity of the reading-frame (PMID: 11258625). For these reasons, this variant has been classified as Pathogenic.

Ambry Genetics
Classification: Pathogenic for Cardiovascular phenotype; Hereditary cancer-predisposing syndrome. Last evaluated: 2025-05-28. Review status: criteria provided, single submitter. Criteria: Ambry Variant Classification Scheme 2023. Collection method: clinical testing. Allele origin: germline.
Comment: The c.1527+4_1527+7delAGTA intronic pathogenic mutation is located 4 nucleotides after coding exon 13 of the NF1 gene. This variant results from a deletion of 4 nucleotides at positions c.1527+4 to c.1527+7. This variant was reported in individual(s) with features consistent with neurofibromatosis type 1 (NF1) (Messiaen LM et al. Genet Med. 1999 Sep-Oct;1(6):248-53; Ars E et al. J Med Genet. 2003 Jun;40(6):e82; Evans DG et al. EBioMedicine. 2016 May;7:212-20; Ambry internal data). In silico splice site analysis predicts that this alteration will weaken the native splice donor site. RNA analysis demonstrated that this alteration causes in-frame skipping of coding exon 13 (Messiaen LM et al. Genet Med. 1999 Sep-Oct;1(6):248-53; Ars E et al. J Med Genet. 2003 Jun;40(6):e82; Ambry internal data). Other variant(s) impacting the same donor site (c.1527+1G>T) have been identified in individual(s) with features consistent with neurofibromatosis type 1 (NF1) (Hutter S et al. Hum. Genet., 2016 May;135:469-75; Pros E et al. Hum. Mutat., 2008 Sep;29:E173-93; Ambry internal data). This variant is considered to be rare based on population cohorts in the Genome Aggregation Database (gnomAD). Based on the supporting evidence, this variant is interpreted as a disease-causing mutation.

3billion
Classification: Pathogenic for Neurofibromatosis, type 1. Last evaluated: 2024-10-22. Review status: criteria provided, single submitter. Criteria: ACMG Guidelines, 2015. Collection method: clinical testing. Allele origin: germline. Affected: yes.
Comment: The variant is observed at an extremely low frequency in the gnomAD v4.1.0 dataset (total allele frequency: <0.001%). Predicted Consequence/Location: Canonical splice site: predicted to alter splicing and result in a loss or disruption of normal protein function. Multiple pathogenic loss-of-function variants are reported downstream of the variant. In silico tools predict the variant to alter splicing and produce an abnormal transcript [SpliceAI: 1.00 (spliceogenicity >=0.2, non-spliceogenicity <0.1)]. The variant has been reported at least twice as pathogenic with clinical assertions and evidence for the classification (ClinVar ID: VCV000457536 /PMID: 11258625). Therefore, this variant is classified as Pathogenic according to the recommendation of ACMG/AMP guideline.

Quest Diagnostics Nichols Institute San Juan Capistrano
Classification: Likely pathogenic. Last evaluated: 2024-08-28. Review status: criteria provided, single submitter. Criteria: Quest Diagnostics criteria. Collection method: clinical testing. Allele origin: unknown.
Comment: The NF1 c.1527+4_1527+7del variant has been reported in the published literature in individuals with neurofibromatosis 1, including one individual where the variant was reported to occur de novo (PMID: 38405018 (2024), 27322474 (2016), 18546366 (2008), 12807981 (2003)). Functional studies demonstrated that this variant disrupted mRNA splicing, however exon skipping was in-frame (PMID: 27322474 (2016), 12807981 (2003)). This variant has not been reported in large, multi-ethnic general populations (Genome Aggregation Database). Analysis of this variant using software algorithms for the prediction of the effect of nucleotide changes on splicing yielded predictions that this variant may affect proper NF1 mRNA splicing. Based on the available information, this variant is classified as likely pathogenic.

Genomic Medicine Center of Excellence, King Faisal Specialist Hospital and Research Centre
Classification: Pathogenic for Neurofibromatosis, type 1. Last evaluated: 2024-04-04. Review status: criteria provided, single submitter. Criteria: ACMG Guidelines, 2015. Collection method: clinical testing. Allele origin: germline.

Genome-Nilou Lab
Classification: Likely pathogenic for Neurofibromatosis, type 1. Last evaluated: 2022-03-15. Review status: criteria provided, single submitter. Criteria: ACMG Guidelines, 2015. Collection method: clinical testing. Allele origin: germline. Affected: no.

Literature cited by the submitters: PubMed 11258625 (cited by 3 submitters); PubMed 12807981 (cited by Labcorp Genetics (formerly Invitae), Labcorp and Quest Diagnostics Nichols Institute San Juan Capistrano); PubMed 17576681 (cited by Labcorp Genetics (formerly Invitae), Labcorp); PubMed 9536098 (cited by Labcorp Genetics (formerly Invitae), Labcorp); PubMed 38405018 (cited by Quest Diagnostics Nichols Institute San Juan Capistrano); PubMed 18546366 (cited by Quest Diagnostics Nichols Institute San Juan Capistrano); PubMed 27322474 (cited by Quest Diagnostics Nichols Institute San Juan Capistrano).

NM_001042492.3(NF1):c.1527+4_1527+7del

Gene: NF1 (neurofibromin 1; plus strand). Cytogenetic location: 17q11.2.
Variant type: Deletion.
Coding change: c.1527+4_1527+7del on transcript NM_001042492.3 (MANE Select); bases 4 to 7 of the intron after coding-DNA position 1527, 4 bases deleted (AGTA; older notation c.1527+4_1527+7delAGTA).
Molecular consequence: splice donor variant.
Genome position (GRCh38, 1-based): chr17:31,214,589-31,214,592, AGTA deleted; deleting any 4 consecutive bases within chr17:31,214,586-31,214,592 gives the same sequence; the c. name uses the placement nearest the transcript's 3' end. VCF-style (leftmost placement, unchanged base first): chr17-31214585-TGTAA-T. GRCh37 (hg19) VCF-style: chr17-29541603-TGTAA-T.
Other names: c.1527+4_1527+7delAGTA (NM_000267.3); c.1527+4_1527+7del (NM_000267.4, NM_001128147.3).
Identifiers: ClinVar variation 457536 (VCV000457536.22), dbSNP rs1555612294, ClinGen allele CA645571236.
Genomic context (GRCh38, chr17:31,214,585, plus strand): 5'-TAAGTATCTTCTCTTGTCCATGGTGAAACTAATTCATGCAGATCCAAAGCTCTTGCTTTG[TGTAA>T]GTATTTTTTTATGAAATGTCTCAAAATTATCACACTAAGTTAATTGGGTTTAGCTGAAAC-3'